The following is an entry in ClinVar:

ClinVar aggregate classification (germline): Uncertain significance (1 of 4 stars; one submission).

Conditions:
Glycogen storage disease type III (GSD3). Also called: Cori disease; FORBES DISEASE. Identifiers: Orphanet 366, MedGen C0017922, MONDO:0009291, OMIM 232400.

gnomAD v4.1: 7 of 1,613,370 alleles (0.00043%); highest among the groups gnomAD compares: Non-Finnish European, 0.00059%; no homozygotes.

Submission:

Labcorp Genetics (formerly Invitae), Labcorp
Classification: Uncertain significance for Glycogen storage disease type III. Last evaluated: 2022-07-30. Review status: criteria provided, single submitter. Criteria: Invitae Variant Classification Sherloc (09022015). Collection method: clinical testing. Allele origin: germline.
Comment: Algorithms developed to predict the effect of missense changes on protein structure and function (SIFT, PolyPhen-2, Align-GVGD) all suggest that this variant is likely to be tolerated. ClinVar contains an entry for this variant (Variation ID: 860266). This variant has not been reported in the literature in individuals affected with AGL-related conditions. This variant is present in population databases (no rsID available, gnomAD 0.0009%). This sequence change replaces proline, which is neutral and non-polar, with alanine, which is neutral and non-polar, at codon 1067 of the AGL protein (p.Pro1067Ala). In summary, the available evidence is currently insufficient to determine the role of this variant in disease. Therefore, it has been classified as a Variant of Uncertain Significance. Algorithms developed to predict the effect of sequence changes on RNA splicing suggest that this variant may create or strengthen a splice site.

NM_000642.3(AGL):c.3199C>G (p.Pro1067Ala)

Gene: AGL (amylo-alpha-1,6-glucosidase and 4-alpha-glucanotransferase; plus strand). Cytogenetic location: 1p21.2.
Variant type: single nucleotide variant.
Coding change: c.3199C>G on transcript NM_000642.3 (MANE Select); coding-DNA position 3199, C replaced by G.
Protein change: p.Pro1067Ala; replaces proline 1067 with alanine.
Molecular consequence: missense variant.
Genome position (GRCh38, 1-based): chr1:99,892,547, C>G. VCF-style: chr1-99892547-C-G. GRCh37 (hg19) VCF-style: chr1-100358103-C-G.
Other names: c.3199C>G, p.Pro1067Ala (NM_000028.3, NM_000643.3, NM_000644.3 and 1 more transcripts); c.3151C>G, p.Pro1051Ala (NM_000646.3); c.3178C>G, p.Pro1060Ala (NM_001425326.1); c.2998C>G, p.Pro1000Ala (NM_001425327.1); c.2995C>G, p.Pro999Ala (NM_001425328.1); c.2860C>G, p.Pro954Ala (NM_001425329.1); c.2821C>G, p.Pro941Ala (NM_001425332.1); short protein forms P1051A, P1067A, P1000A, P1060A, P941A, P954A, P999A.
Identifiers: ClinVar variation 860266 (VCV000860266.9), dbSNP rs3753494, ClinGen allele CA341327008.